The following is an entry in ClinVar:

NM_020533.3(MCOLN1):c.165del (p.Lys55fs)

Gene: MCOLN1 (mucolipin TRP cation channel 1; plus strand). Cytogenetic location: 19p13.2.
Variant type: Deletion.
Coding change: c.165del on transcript NM_020533.3 (MANE Select); coding-DNA position 165, one base deleted (G; older notation c.165delG).
Protein change: p.Lys55fs; shifts the reading frame from lysine 55.
Molecular consequence: frameshift variant.
Genome position (GRCh38, 1-based): chr19:7,525,094, G deleted. VCF-style (leftmost placement, unchanged base first): chr19-7525093-AG-A. GRCh37 (hg19) VCF-style: chr19-7589979-AG-A.
Other names: short protein forms K55fs.
Identifiers: ClinVar variation 1414260 (VCV001414260.3), dbSNP rs2146021332, ClinGen allele CA2573155888.

ClinVar aggregate classification (germline): Pathogenic (1 of 4 stars; one submission).

Conditions:
Mucolipidosis type IV (ML4). Also called: ML IV. Identifiers: Orphanet 578, MedGen C0238286, MONDO:0009653, OMIM 252650.

Submission:

Labcorp Genetics (formerly Invitae), Labcorp
Classification: Pathogenic for Mucolipidosis type IV. Last evaluated: 2021-02-20. Review status: criteria provided, single submitter. Criteria: Invitae Variant Classification Sherloc (09022015). Collection method: clinical testing. Allele origin: germline.
Comment: This sequence change creates a premature translational stop signal (p.Lys55Asnfs*12) in the MCOLN1 gene. It is expected to result in an absent or disrupted protein product. Loss-of-function variants in MCOLN1 are known to be pathogenic (PMID: 11030752, 11317355). This variant is not present in population databases (ExAC no frequency). This variant has not been reported in the literature in individuals with MCOLN1-related conditions. For these reasons, this variant has been classified as Pathogenic.

Literature cited by the submitters: PubMed 11030752; PubMed 11317355.